The following is an entry in ClinVar:

NM_006231.4(POLE):c.3590T>C (p.Met1197Thr)

Gene: POLE (DNA polymerase epsilon, catalytic subunit; minus strand). Cytogenetic location: 12q24.33.
Variant type: single nucleotide variant.
Coding change: c.3590T>C on transcript NM_006231.4 (MANE Select); coding-DNA position 3590, T replaced by C.
Protein change: p.Met1197Thr; replaces methionine 1197 with threonine.
Molecular consequence: missense variant.
Genome position (GRCh38, 1-based): chr12:132,649,882, A>G on the plus strand (T>C on the coding strand, the complement: POLE is on the minus strand). VCF-style: chr12-132649882-A-G. GRCh37 (hg19) VCF-style: chr12-133226468-A-G.
Other names: c.3590T>C (NM_006231.2); short protein forms M1197T.
Identifiers: ClinVar variation 1358301 (VCV001358301.8), dbSNP rs2138615752, ClinGen allele CA387387067.

ClinVar aggregate classification (germline): Uncertain significance. Review status: criteria provided, multiple submitters, no conflicts (2 of 4 stars). 2 submissions from 2 submitters: Uncertain significance (2). Last evaluated 2026-01-22.

Conditions:
Hereditary cancer-predisposing syndrome. Also called: Hereditary neoplastic syndrome; Tumor predisposition; Neoplastic Syndromes, Hereditary; Hereditary Cancer Syndrome. Identifiers: Orphanet 140162, MedGen C0027672, MeSH D009386, MONDO:0015356.

Submissions (2):

Ambry Genetics
Classification: Uncertain significance for Hereditary cancer-predisposing syndrome. Last evaluated: 2026-01-22. Review status: criteria provided, single submitter. Criteria: Ambry Variant Classification Scheme 2023. Collection method: clinical testing. Allele origin: germline.
Comment: The p.M1197T variant (also known as c.3590T>C), located in coding exon 30 of the POLE gene, results from a T to C substitution at nucleotide position 3590. The methionine at codon 1197 is replaced by threonine, an amino acid with similar properties. This amino acid position is conserved. In addition, this alteration is predicted to be tolerated by in silico analysis. Based on the available evidence, the clinical significance of this variant remains unclear.

Labcorp Genetics (formerly Invitae), Labcorp
Classification: Uncertain significance. Last evaluated: 2025-12-24. Review status: criteria provided, single submitter. Criteria: Invitae Variant Classification Sherloc (09022015). Collection method: clinical testing. Allele origin: germline.
Comment: This sequence change replaces methionine, which is neutral and non-polar, with threonine, which is neutral and polar, at codon 1197 of the POLE protein (p.Met1197Thr). This variant is not present in population databases (gnomAD no frequency). This variant has not been reported in the literature in individuals affected with POLE-related conditions. ClinVar contains an entry for this variant (Variation ID: 1358301). Invitae Evidence Modeling of protein sequence and biophysical properties (such as structural, functional, and spatial information, amino acid conservation, physicochemical variation, residue mobility, and thermodynamic stability) indicates that this missense variant is not expected to disrupt POLE protein function with a negative predictive value of 80%. In summary, the available evidence is currently insufficient to determine the role of this variant in disease. Therefore, it has been classified as a Variant of Uncertain Significance.